The following is an entry in ClinVar:

NM_003238.6(TGFB2):c.739G>A (p.Glu247Lys)

Gene: TGFB2 (transforming growth factor beta 2; plus strand). Cytogenetic location: 1q41.
Variant type: single nucleotide variant.
Coding change: c.739G>A on transcript NM_003238.6 (MANE Select); coding-DNA position 739, G replaced by A.
Protein change: p.Glu247Lys; replaces glutamic acid 247 with lysine.
Molecular consequence: missense variant. On other transcripts: non-coding transcript variant (2).
Genome position (GRCh38, 1-based): chr1:218,434,433, G>A. VCF-style: chr1-218434433-G-A. GRCh37 (hg19) VCF-style: chr1-218607775-G-A.
Other names: c.823G>A, p.Glu275Lys (NM_001135599.4); short protein forms E247K, E275K.
Identifiers: ClinVar variation 573926 (VCV000573926.15), dbSNP rs1558262454, ClinGen allele CA344726942.

ClinVar aggregate classification (germline): Uncertain significance. Review status: criteria provided, multiple submitters, no conflicts (2 of 4 stars). 2 submissions from 2 submitters: Uncertain significance (2). Last evaluated 2018-08-16.

Conditions:
Loeys-Dietz syndrome 4 (LDS4). Also called: ANEURYSM, AORTIC AND CEREBRAL, WITH ARTERIAL TORTUOSITY AND SKELETAL MANIFESTATIONS; TGFB2-Related Loeys-Dietz Syndrome. Identifiers: MedGen C3553762, MONDO:0013897, OMIM 614816.

Submissions (2):

Laboratory for Molecular Medicine, Mass General Brigham Personalized Medicine
Classification: Uncertain significance. Last evaluated: 2018-08-16. Review status: criteria provided, single submitter. Criteria: LMM Criteria. Collection method: clinical testing. Allele origin: germline. Observed: 1 variant allele.
Comment: The p.Glu275Lys variant in TGFB2 has not been previously reported in affected in dividuals and was absent from large population studies. Computational prediction tools and conservation analysis do not provide strong support for or against an impact to the protein. In summary, the clinical significance of the p.Glu275Lys variant is uncertain. ACMG/AMP Criteria applied: PM2.

Labcorp Genetics (formerly Invitae), Labcorp
Classification: Uncertain significance for Loeys-Dietz syndrome 4. Last evaluated: 2018-06-09. Review status: criteria provided, single submitter. Criteria: Invitae Variant Classification Sherloc (09022015). Collection method: clinical testing. Allele origin: germline.
Comment: In summary, the available evidence is currently insufficient to determine the role of this variant in disease. Therefore, it has been classified as a Variant of Uncertain Significance. Algorithms developed to predict the effect of missense changes on protein structure and function are either unavailable or do not agree on the potential impact of this missense change (SIFT: "Tolerated"; PolyPhen-2: "Probably Damaging"; Align-GVGD: "Class C0"). This variant has not been reported in the literature in individuals with TGFB2-related disease. This variant is not present in population databases (ExAC no frequency). This sequence change replaces glutamic acid with lysine at codon 247 of the TGFB2 protein (p.Glu247Lys). The glutamic acid residue is highly conserved and there is a small physicochemical difference between glutamic acid and lysine.